The following is an entry in ClinVar:

NM_000179.3(MSH6):c.348T>C (p.Asp116=)

Gene: MSH6 (mutS homolog 6; plus strand). Cytogenetic location: 2p16.3.
Variant type: single nucleotide variant.
Coding change: c.348T>C on transcript NM_000179.3 (MANE Select); coding-DNA position 348, T replaced by C.
Protein change: p.Asp116=; no amino-acid change (aspartic acid 116 retained).
Molecular consequence: synonymous variant. On other transcripts: 5 prime UTR variant (7), non-coding transcript variant (5), intron variant (6).
Genome position (GRCh38, 1-based): chr2:47,791,014, T>C. VCF-style: chr2-47791014-T-C. GRCh37 (hg19) VCF-style: chr2-48018153-T-C.
Other names: c.-389T>C (NM_001281493.2, NM_001406811.1, NM_001406823.1 and 1 more transcripts); c.-555T>C (NM_001281494.2); c.444T>C, p.Asp148= (NM_001406795.1, NM_001406802.1); c.348T>C, p.Asp116= (NM_001406796.1, NM_001406798.1, NM_001406800.1 and 6 more transcripts); c.51T>C, p.Asp17= (NM_001406797.1, NM_001406801.1, NM_001406805.1 and 10 more transcripts); c.270T>C, p.Asp90= (NM_001406804.1); c.-581T>C (NM_001406807.1); c.-647T>C (NM_001406814.1); and 6 more.
Identifiers: ClinVar variation 3903665 (VCV003903665.1).

ClinVar aggregate classification (germline): Benign (1 of 4 stars; one submission).

Conditions:
Lynch syndrome 5 (LYNCH5). Also called: Colorectal cancer, hereditary nonpolyposis, type 5; Hereditary non-polyposis colorectal cancer, type 5. Identifiers: Orphanet 144, MedGen C1833477, MONDO:0013710, OMIM 614350. Disease mechanism: loss of function.

gnomAD v4.1: 1 of 1,614,248 alleles (0.000062%); no homozygotes.

Submission:

Myriad Genetics, Inc.
Classification: Benign for Lynch syndrome 5. Last evaluated: 2024-12-18. Review status: criteria provided, single submitter. Criteria: Myriad Autosomal Dominant, Autosomal Recessive and X-Linked Classification Criteria (2023). Collection method: clinical testing. Allele origin: unknown.
Comment: This variant is considered benign. This variant is a silent/synonymous amino acid change and it is not expected to impact splicing.